The following is an entry in ClinVar:

NM_020207.7(ERCC6L2):c.3236A>G (p.Asn1079Ser)

Gene: ERCC6L2 (ERCC excision repair 6 like 2; plus strand). Cytogenetic location: 9q22.32.
Variant type: single nucleotide variant.
Coding change: c.3236A>G on transcript NM_020207.7 (MANE Select); coding-DNA position 3236, A replaced by G.
Protein change: p.Asn1079Ser; replaces asparagine 1079 with serine.
Molecular consequence: missense variant. On other transcripts: non-coding transcript variant (1).
Genome position (GRCh38, 1-based): chr9:95,972,987, A>G. VCF-style: chr9-95972987-A-G. GRCh37 (hg19) VCF-style: chr9-98735269-A-G.
Other names: c.3236A>G, p.Asn1079Ser (NM_001375291.1, NM_001375292.1, NM_001375293.1 and 1 more transcripts); short protein forms N1079S.
Identifiers: ClinVar variation 1938705 (VCV001938705.3), dbSNP rs776307162, ClinGen allele CA5139873.

ClinVar aggregate classification (germline): Uncertain significance (1 of 4 stars; one submission).

Allele frequency attached by ClinVar (database versions not stated): ExAC 0.00002; gnomAD exomes 0.00002.
gnomAD v4.1: 6 of 1,349,020 alleles (0.00044%); highest among the groups gnomAD compares: East Asian, 0.0093%; no homozygotes.

Submission:

Labcorp Genetics (formerly Invitae), Labcorp
Classification: Uncertain significance. Last evaluated: 2022-08-13. Review status: criteria provided, single submitter. Criteria: Invitae Variant Classification Sherloc (09022015). Collection method: clinical testing. Allele origin: germline.
Comment: In summary, the available evidence is currently insufficient to determine the role of this variant in disease. Therefore, it has been classified as a Variant of Uncertain Significance. Algorithms developed to predict the effect of missense changes on protein structure and function are either unavailable or do not agree on the potential impact of this missense change (SIFT: "Tolerated"; PolyPhen-2: "Not Available"; Align-GVGD: "Class C0"). This variant has not been reported in the literature in individuals affected with ERCC6L2-related conditions. This variant is present in population databases (rs776307162, gnomAD 0.01%). This sequence change replaces asparagine, which is neutral and polar, with serine, which is neutral and polar, at codon 1090 of the ERCC6L2 protein (p.Asn1090Ser).